The following is an entry in ClinVar:

ClinVar aggregate classification (germline): Conflicting classifications of pathogenicity. Review status: criteria provided, conflicting classifications (1 of 4 stars). 11 submissions from 10 submitters: Uncertain significance (2); Benign (2); Likely benign (4). 3 of the submissions do not count toward it. Last evaluated 2026-04-21.

Conditions:
Neuronopathy, distal hereditary motor, type 5A (HMND5). Also called: DHMN VA; Distal Spinal Muscular Atrophy V (dSMA-V); NEURONOPATHY, DISTAL HEREDITARY MOTOR, AUTOSOMAL DOMINANT 5; Distal Spinal Muscular Atrophy V. Identifiers: Orphanet 139536, MedGen CN031873, MONDO:0015353, OMIM 600794.
Congenital generalized lipodystrophy type 2 (CGL2). Also called: SEIP SYNDROME; BERARDINELLI SYNDROME; BRUNZELL SYNDROME, BSCL2-RELATED; Berardinelli-Seip Congenital Lipodystrophy Type 2. Identifiers: Orphanet 528, Orphanet 696289, MedGen C1720863, MONDO:0010020, OMIM 269700.
Inborn genetic diseases. Identifiers: MedGen C0950123, MeSH D030342.
Charcot-Marie-Tooth disease type 2. Also called: Charcot-Marie-Tooth type 2. Identifiers: Orphanet 64746, MedGen C0270914, MONDO:0018993.
BSCL2-related disorder. Also called: BSCL2-Related Disorders; BSCL2-related condition.

Allele frequency attached by ClinVar (database versions not stated): ESP Exome Variant Server 0.00015; 1000 Genomes Project 30x 0.00016; gnomAD 0.00016; 1000 Genomes Project 0.00020; ExAC 0.00022; gnomAD exomes 0.00038 and 0.00042; TOPMed 0.00045.
gnomAD v4.1: 684 of 1,614,128 alleles (0.042%); highest among the groups gnomAD compares: Admixed American, 0.14%; 1 homozygote.

Submissions (11):

Women's Health and Genetics/Laboratory Corporation of America, LabCorp
Classification: Benign. Last evaluated: 2026-04-21. Review status: criteria provided, single submitter. Criteria: LabCorp Variant Classification Summary - May 2015. Collection method: clinical testing. Allele origin: germline.
Comment: Variant summary: BSCL2 c.669C>T (p.Leu223Leu) alters a conserved nucleotide located close to a canonical splice site and therefore could affect mRNA splicing, leading to a significantly altered protein sequence. Consensus agreement among computation tools predict no significant impact on normal splicing. However, these predictions have yet to be confirmed by functional studies. The variant allele was found at a frequency of 0.00038 in 251310 control chromosomes, predominantly at a frequency of 0.0013 within the Latino subpopulation in the gnomAD database. The observed variant frequency within Latino control individuals in the gnomAD database exceeds the estimated maximal expected allele frequency for disease-causing variants in BSCL2. c.669C>T has been observed at least once in a cohort of individuals undergoing multigene panel testing for dyslipidemias, however further genotype/phenotype information was not provided (Dron_2020). This report does not provide unequivocal conclusions about association of the variant with congenital generalized lipodystrophy type 2 or other BSCL2-related conditions. To our knowledge, no experimental evidence demonstrating an impact on protein function has been reported. The following publication has been ascertained in the context of this evaluation (PMID: 32041611). ClinVar contains an entry for this variant (Variation ID: 305176). Based on the evidence outlined above, the variant was classified as benign.

Labcorp Genetics (formerly Invitae), Labcorp
Classification: Benign for Charcot-Marie-Tooth disease type 2. Last evaluated: 2026-01-14. Review status: criteria provided, single submitter. Criteria: Invitae Variant Classification Sherloc (09022015). Collection method: clinical testing. Allele origin: germline.

Mayo Clinic Laboratories, Mayo Clinic
Classification: Likely benign. Last evaluated: 2025-04-14. Review status: criteria provided, single submitter. Criteria: ACMG Guidelines, 2015. Collection method: clinical testing. Allele origin: germline. Observed: 7 variant alleles.
Comment: BP4, BP7

CeGaT Center for Human Genetics Tuebingen
Classification: Likely benign. Last evaluated: 2024-04-01. Review status: criteria provided, single submitter. Criteria: CeGaT Center For Human Genetics Tuebingen Variant Classification Criteria Version 2. Collection method: clinical testing. Allele origin: germline. Affected: yes. Observed: 3 variant alleles.
Comment: BSCL2: BP4

Ambry Genetics
Classification: Likely benign for Inborn genetic diseases. Last evaluated: 2021-06-30. Review status: criteria provided, single submitter. Criteria: Ambry Variant Classification Scheme 2023. Collection method: clinical testing. Allele origin: germline.

Illumina Laboratory Services, Illumina
Classification: Uncertain significance for Neuronopathy, distal hereditary motor, type 5A. Last evaluated: 2018-01-13. Review status: criteria provided, single submitter. Criteria: ICSL Variant Classification Criteria 13 December 2019. Collection method: clinical testing. Allele origin: germline.

Illumina Laboratory Services, Illumina
Classification: Uncertain significance for Congenital generalized lipodystrophy type 2. Last evaluated: 2018-01-13. Review status: criteria provided, single submitter. Criteria: ICSL Variant Classification Criteria 13 December 2019. Collection method: clinical testing. Allele origin: germline.

GeneDx
Classification: Likely benign. Last evaluated: 2017-07-21. Review status: criteria provided, single submitter. Criteria: GeneDx Variant Classification (06012015). Collection method: clinical testing. Allele origin: germline. Affected: yes.
Comment: This variant is considered likely benign or benign based on one or more of the following criteria: it is a conservative change, it occurs at a poorly conserved position in the protein, it is predicted to be benign by multiple in silico algorithms, and/or has population frequency not consistent with disease.

PreventionGenetics, part of Exact Sciences
Classification: Likely benign for BSCL2-related condition. Last evaluated: 2020-01-13. Review status: no assertion criteria provided. Collection method: clinical testing. Allele origin: germline. Not counted in ClinVar's aggregate classification.
Comment: This variant is classified as likely benign based on ACMG/AMP sequence variant interpretation guidelines (Richards et al. 2015 PMID: 25741868, with internal and published modifications).

Clinical Genetics, Academic Medical Center
Classification: Likely benign. Review status: no assertion criteria provided. Collection method: clinical testing. Allele origin: germline. Affected: yes. Study: VKGL Data-share Consensus. Not counted in ClinVar's aggregate classification.

Joint Genome Diagnostic Labs from Nijmegen and Maastricht, Radboudumc and MUMC+
Classification: Likely benign. Review status: no assertion criteria provided. Collection method: clinical testing. Allele origin: germline. Affected: yes. Study: VKGL Data-share Consensus. Not counted in ClinVar's aggregate classification.

Literature cited by the submitters: PubMed 32041611 (cited by Women's Health and Genetics/Laboratory Corporation of America, LabCorp and Mayo Clinic Laboratories, Mayo Clinic).

NM_001122955.4(BSCL2):c.861C>T (p.Leu287=)

Genes: BSCL2 (BSCL2 lipid droplet biogenesis associated, seipin; minus strand), HNRNPUL2-BSCL2 (HNRNPUL2-BSCL2 readthrough (NMD candidate); minus strand). Cytogenetic location: 11q12.3.
Variant type: single nucleotide variant.
Coding change: c.861C>T on transcript NM_001122955.4 (MANE Select); coding-DNA position 861, C replaced by T.
Protein change: p.Leu287=; no amino-acid change (leucine 287 retained).
Molecular consequence: synonymous variant. On other transcripts: non-coding transcript variant (1).
Genome position (GRCh38, 1-based): chr11:62,692,378, G>A on the plus strand (C>T on the coding strand, the complement: BSCL2 is on the minus strand). VCF-style: chr11-62692378-G-A. GRCh37 (hg19) VCF-style: chr11-62459850-G-A.
Other names: p.Leu223=; c.669C>T, p.Leu223= (NM_001130702.2, NM_032667.6); c.861C>T, p.Leu287= (NM_001386027.1, NM_001386028.1); c.861C>T (NM_001122955.3).
Identifiers: ClinVar variation 305176 (VCV000305176.47), dbSNP rs370926100, ClinGen allele CA6053434.